The following continues an entry in ClinVar:

NM_000051.4(ATM):c.3295G>A (p.Asp1099Asn)

Gene: ATM. ClinVar aggregate classification (germline): Conflicting classifications of pathogenicity. Uncertain significance (8); Likely benign (2).

Submissions 11 to 13 of 13:

PreventionGenetics, part of Exact Sciences
Classification: Uncertain significance for ATM-related condition. Last evaluated: 2024-05-30. Review status: no assertion criteria provided. Collection method: clinical testing. Allele origin: germline. Not counted in ClinVar's aggregate classification.
Comment: The ATM c.3295G>A variant is predicted to result in the amino acid substitution p.Asp1099Asn. This variant has been reported in patients with breast or colorectal cancer (Table S2, Tavtigian et al. 2009. PubMed ID: 19781682; Table A4, Yurgelun et al. 2017. PubMed ID: 28135145; Table S2, Chan et al. 2018. PubMed ID: 30093976). This variant is reported in 0.020% of alleles in individuals of South Asian descent in gnomAD and is listed in ClinVar with conflicting interpretation of likely benign (1) and uncertain (7). At this time, the clinical significance of this variant is uncertain due to the absence of conclusive functional and genetic evidence.

Natera, Inc.
Classification: Uncertain significance for Ataxia-telangiectasia. Last evaluated: 2020-09-16. Review status: no assertion criteria provided. Collection method: clinical testing. Allele origin: germline. Not counted in ClinVar's aggregate classification.

Department of Pathology and Laboratory Medicine, Sinai Health System
Classification: Uncertain significance for Malignant tumor of breast. Review status: no assertion criteria provided. Collection method: clinical testing. Allele origin: unknown. Affected: yes. Observed: 1 variant allele. Study: The Canadian Open Genetics Repository (COGR). Not counted in ClinVar's aggregate classification.
Comment: The ATM p.Asp1099Asn variant was identified in 4 of 15480 proband chromosomes (frequency: 0.0003) from individuals or families with breast cancer and colorectal cancer and was not identified in 7694 control chromosomes from healthy individuals (Tavtigian 2009, Goldgar 2011, Yurgelun 2017). The variant was also identified in dbSNP (ID: rs372966951) as "With Uncertain significance allele", and in ClinVar (as uncertain significance by Ambry Genetics, Invitae, GeneDx, and Integrated Genetics). The variant was not identified in LOVD 3.0 database. The variant was identified in control databases in 7 of 239322 chromosomes at a frequency of 0.00003 (Genome Aggregation Database Feb 27, 2017). The variant was observed in the following populations: Other in 1 of 5374 chromosomes (freq: 0.0002), and South Asian in 6 of 30298 chromosomes (freq: 0.0002); it was not observed in the African, Latino, European, Ashkenazi Jewish, East Asian, or Finnish, populations. The p.Asp1099 residue is not conserved in mammals and computational analyses (PolyPhen-2, SIFT, AlignGVGD, BLOSUM, MutationTaster) do not suggest a high likelihood of impact to the protein; however, this information is not predictive enough to rule out pathogenicity. The variant occurs outside of the splicing consensus sequence and 1 of 4 in silico or computational prediction software programs (SpliceSiteFinder, MaxEntScan, NNSPLICE, GeneSplicer) predict a greater than 10% difference in splicing; this is not very predictive of pathogenicity. In summary, based on the above information the clinical significance of this variant cannot be determined with certainty at this time. This variant is classified as a variant of uncertain significance.

Literature cited by the submitters: PubMed 19781682 (cited by 3 submitters); PubMed 21787400 (cited by Labcorp Genetics (formerly Invitae), Labcorp and Women's Health and Genetics/Laboratory Corporation of America, LabCorp); PubMed 28135145 (cited by Labcorp Genetics (formerly Invitae), Labcorp and Women's Health and Genetics/Laboratory Corporation of America, LabCorp); PubMed 30093976 (cited by 3 submitters); PubMed 12697903 (cited by Women's Health and Genetics/Laboratory Corporation of America, LabCorp); PubMed 25231023 (cited by Women's Health and Genetics/Laboratory Corporation of America, LabCorp); PubMed 26787654 (cited by Women's Health and Genetics/Laboratory Corporation of America, LabCorp and Ambry Genetics); PubMed 26976419 (cited by Women's Health and Genetics/Laboratory Corporation of America, LabCorp); PubMed 30455982 (cited by Women's Health and Genetics/Laboratory Corporation of America, LabCorp).